The following is an entry in ClinVar:

ClinVar aggregate classification (germline): Likely pathogenic (1 of 4 stars; one submission).

Submission:

GeneDx
Classification: Likely pathogenic. Last evaluated: 2017-05-02. Review status: criteria provided, single submitter. Criteria: GeneDx Variant Classification (06012015). Collection method: clinical testing. Allele origin: germline. Affected: yes.
Comment: A variant that is likely pathogenic has been identified in the SOX2 gene. The R43W variant has not been published as a pathogenic variant, nor has it been reported as a benign variant to our knowledge. It is not observed in large population cohorts (Lek et al., 2016; 1000 Genomes Consortium et al., 2015; Exome Variant Server). The R43W variant is a non-conservative amino acid substitution, which is likely to impact secondary protein structure as these residues differ in polarity, charge, size and/or other properties. This substitution occurs at a position that is conserved across species, and in silico analysis predicts this variant is probably damaging to the protein structure/function. Additionally, missense variants in nearby residues (P44R and N46K) have been reported in the Human Gene Mutation Database in association with SOX2-related disorders (Stenson et al., 2014). Therefore, this variant is likely pathogenic.

NM_003106.4(SOX2):c.127C>T (p.Arg43Trp)

Genes: SOX2 (SRY-box transcription factor 2; plus strand), SOX2-OT (SOX2 overlapping transcript; plus strand), LOC108281177 (SOX2 5' regulatory region; plus strand). Cytogenetic location: 3q26.33.
Variant type: single nucleotide variant.
Coding change: c.127C>T on transcript NM_003106.4 (MANE Select); coding-DNA position 127, C replaced by T.
Protein change: p.Arg43Trp; replaces arginine 43 with tryptophan.
Molecular consequence: missense variant.
Genome position (GRCh38, 1-based): chr3:181,712,487, C>T. VCF-style: chr3-181712487-C-T. GRCh37 (hg19) VCF-style: chr3-181430275-C-T.
Other names: short protein forms R43W.
Identifiers: ClinVar variation 449939 (VCV000449939.2), dbSNP rs765982831, ClinGen allele CA355473179.